The following is an entry in ClinVar:

NM_025137.4(SPG11):c.7203dup (p.Leu2402fs)

Gene: SPG11 (SPG11 vesicle trafficking associated, spatacsin; minus strand). Cytogenetic location: 15q21.1.
Variant type: Duplication.
Coding change: c.7203dup on transcript NM_025137.4 (MANE Select); coding-DNA position 7203, one base duplicated (A; older notation c.7203dupA).
Protein change: p.Leu2402fs; shifts the reading frame from leucine 2402.
Molecular consequence: frameshift variant.
Genome position (GRCh38, 1-based): chr15:44,563,250, T duplicated on the plus strand (A on the coding strand, the reverse complement: SPG11 is on the minus strand). VCF-style (leftmost placement, unchanged base first): chr15-44563249-G-GT. GRCh37 (hg19) VCF-style: chr15-44855447-G-GT.
Other names: c.6864dup, p.Leu2289fs (NM_001160227.2); c.7059dup, p.Leu2354Thrfs (NM_001411132.1); short protein forms L2289fs, L2402fs.
Identifiers: ClinVar variation 2021321 (VCV002021321.4), dbSNP rs2505149484, ClinGen allele CA2580089457.

ClinVar aggregate classification (germline): Uncertain significance (1 of 4 stars; one submission).

Conditions:
Hereditary spastic paraplegia 11. Also called: Spastic Paraplegia 11; Spastic paraplegia, mental retardation and thin corpus callosum; Nakamura Osame syndrome; Autosomal recessive hereditary spastic paraplegia, mental impairment, and thin corpus callosum; SPASTIC PARAPLEGIA, AUTOSOMAL RECESSIVE, COMPLICATED, WITH THIN CORPUS CALLOSUM; SPASTIC PARAPLEGIA, AUTOSOMAL RECESSIVE, WITH MENTAL IMPAIRMENT AND THIN CORPUS CALLOSUM. Identifiers: Orphanet 2822, MedGen C1858479, MONDO:0011445, OMIM 604360.

Submission:

Labcorp Genetics (formerly Invitae), Labcorp
Classification: Uncertain significance for Hereditary spastic paraplegia 11. Last evaluated: 2021-12-04. Review status: criteria provided, single submitter. Criteria: Invitae Variant Classification Sherloc (09022015). Collection method: clinical testing. Allele origin: germline.
Comment: In summary, the available evidence is currently insufficient to determine the role of this variant in disease. Therefore, it has been classified as a Variant of Uncertain Significance. This variant disrupts the C-terminus of the SPG11 protein. Other variant(s) that disrupt this region (p.Glu2417Leufs*9) have been observed in individuals with SPG11-related conditions (Invitae). This suggests that this may be a clinically significant region of the protein. This variant has not been reported in the literature in individuals affected with SPG11-related conditions. This variant is not present in population databases (gnomAD no frequency). This sequence change creates a premature translational stop signal (p.Leu2402Thrfs*5) in the SPG11 gene. While this is not anticipated to result in nonsense mediated decay, it is expected to disrupt the last 42 amino acid(s) of the SPG11 protein.